The following is an entry in ClinVar:

ClinVar aggregate classification (germline): Uncertain significance. Review status: criteria provided, multiple submitters, no conflicts (2 of 4 stars). 2 submissions from 2 submitters: Uncertain significance (2). Last evaluated 2024-10-29.

Conditions:
Early-infantile DEE. Also called: Ohtahara syndrome; Early infantile epileptic encephalopathy with suppression bursts; Early infantile epileptic encephalopathy. Identifiers: Orphanet 1934, MedGen C0393706, MONDO:0800491.

Allele frequency attached by ClinVar (database versions not stated): gnomAD 0.00001 and 0.00002; TOPMed 0.00006.

Submissions (2):

Ambry Genetics
Classification: Uncertain significance. Last evaluated: 2024-10-29. Review status: criteria provided, single submitter. Criteria: Ambry Variant Classification Scheme 2023. Collection method: clinical testing. Allele origin: germline.

Labcorp Genetics (formerly Invitae), Labcorp
Classification: Uncertain significance for Early-infantile DEE. Last evaluated: 2024-07-30. Review status: criteria provided, single submitter. Criteria: Invitae Variant Classification Sherloc (09022015). Collection method: clinical testing. Allele origin: germline.
Comment: This sequence change replaces arginine, which is basic and polar, with tryptophan, which is neutral and slightly polar, at codon 647 of the ARHGEF15 protein (p.Arg647Trp). This variant is not present in population databases (gnomAD no frequency). This variant has not been reported in the literature in individuals affected with ARHGEF15-related conditions. ClinVar contains an entry for this variant (Variation ID: 1044822). An algorithm developed to predict the effect of missense changes on protein structure and function (PolyPhen-2) suggests that this variant is likely to be disruptive. In summary, the available evidence is currently insufficient to determine the role of this variant in disease. Therefore, it has been classified as a Variant of Uncertain Significance.

NM_173728.4(ARHGEF15):c.1939C>T (p.Arg647Trp)

Gene: ARHGEF15 (Rho guanine nucleotide exchange factor 15; plus strand). Cytogenetic location: 17p13.1.
Variant type: single nucleotide variant.
Coding change: c.1939C>T on transcript NM_173728.4 (MANE Select); coding-DNA position 1939, C replaced by T.
Protein change: p.Arg647Trp; replaces arginine 647 with tryptophan.
Molecular consequence: missense variant.
Genome position (GRCh38, 1-based): chr17:8,318,816, C>T. VCF-style: chr17-8318816-C-T. GRCh37 (hg19) VCF-style: chr17-8222134-C-T.
Other names: c.1939C>T, p.Arg647Trp (NM_025014.2); c.1939C>T (NM_173728.3); short protein forms R647W.
Identifiers: ClinVar variation 1044822 (VCV001044822.10), dbSNP rs917738800, ClinGen allele CA287572403.